The following is an entry in ClinVar:

NM_002016.2(FLG):c.11073C>T (p.Ser3691=)

Genes: CCDST (cervical cancer associated DHX9 suppressive transcript; plus strand), FLG (filaggrin; minus strand). Cytogenetic location: 1q21.3.
Variant type: single nucleotide variant.
Coding change: c.11073C>T on transcript NM_002016.2 (MANE Select); coding-DNA position 11073, C replaced by T.
Protein change: p.Ser3691=; no amino-acid change (serine 3691 retained).
Molecular consequence: synonymous variant.
Genome position (GRCh38, 1-based): chr1:152,303,813, G>A on the plus strand (C>T on the coding strand, the complement: FLG is on the minus strand). VCF-style: chr1-152303813-G-A. GRCh37 (hg19) VCF-style: chr1-152276289-G-A.
Identifiers: ClinVar variation 2639227 (VCV002639227.24), dbSNP rs540031563, ClinGen allele CA1103067.

ClinVar aggregate classification (germline): Likely benign (1 of 4 stars; one submission).

Allele frequency attached by ClinVar (database versions not stated): 1000 Genomes Project 30x 0.00094; ExAC 0.00101; TOPMed 0.00002; gnomAD 0.00016; 1000 Genomes Project 0.00080.

Submission:

CeGaT Center for Human Genetics Tuebingen
Classification: Likely benign. Last evaluated: 2023-01-01. Review status: criteria provided, single submitter. Criteria: CeGaT Center For Human Genetics Tuebingen Variant Classification Criteria Version 2. Collection method: clinical testing. Allele origin: germline. Affected: yes. Observed: 1 variant allele.
Comment: FLG: BP4, BP7, BS2